The following is an entry in ClinVar:

ClinVar aggregate classification (germline): Likely benign (1 of 4 stars; one submission).

Submission:

Women's Health and Genetics/Laboratory Corporation of America, LabCorp
Classification: Likely benign. Last evaluated: 2025-10-23. Review status: criteria provided, single submitter. Criteria: LabCorp Variant Classification Summary - May 2015. Collection method: clinical testing. Allele origin: germline.
Comment: Variant summary: ADAMTS13 c.1706-16_1706-14delCTT alters a non-conserved nucleotide located at a position not widely known to affect splicing. Consensus agreement among computation tools predict no significant impact on normal splicing. However, these predictions have yet to be confirmed by functional studies. The variant allele was found at a frequency of 4e-06 in 251432 control chromosomes. The available data on variant occurrences in the general population are insufficient to allow any conclusion about variant significance. To our knowledge, no occurrence of c.1706-16_1706-14delCTT in individuals affected with ADAMTS13-related conditions and no experimental evidence demonstrating its impact on protein function have been reported. No submitters have cited clinical-significance assessments for this variant to ClinVar. Based on the evidence outlined above, the variant was classified as likely benign.

NM_139027.6(ADAMTS13):c.1706-16_1706-14del

Gene: ADAMTS13 (ADAM metallopeptidase with thrombospondin type 1 motif 13; plus strand). Cytogenetic location: 9q34.2.
Variant type: Microsatellite.
Coding change: c.1706-16_1706-14del on transcript NM_139027.6 (MANE Select); 16 bases into the intron before coding-DNA position 1706 through 14 bases into the intron before coding-DNA position 1706, 3 bases deleted (CTT; older notation c.1706-16_1706-14delCTT).
Molecular consequence: intron variant.
Genome position (GRCh38, 1-based): chr9:133,439,350-133,439,352, CTT deleted; deleting any 3 consecutive bases within chr9:133,439,347-133,439,352 gives the same sequence; the c. name uses the placement nearest the transcript's 3' end. VCF-style (leftmost placement, unchanged base first): chr9-133439346-CCTT-C. GRCh37 (hg19) VCF-style: chr9-136304467-CCTT-C.
Other names: c.1706-16_1706-14delCTT (NM_139025.5); c.1706-16_1706-14del (NM_139025.5); c.1613-16_1613-14del (NM_139026.6).
Identifiers: ClinVar variation 4687808 (VCV004687808.1).